The following is an entry in ClinVar:

NM_022124.6(CDH23):c.9203C>T (p.Ala3068Val)

Gene: CDH23 (cadherin related 23; plus strand). Cytogenetic location: 10q22.1.
Variant type: single nucleotide variant.
Coding change: c.9203C>T on transcript NM_022124.6 (MANE Select); coding-DNA position 9203, C replaced by T.
Protein change: p.Ala3068Val; replaces alanine 3068 with valine.
Molecular consequence: missense variant.
Genome position (GRCh38, 1-based): chr10:71,811,515, C>T. VCF-style: chr10-71811515-C-T. GRCh37 (hg19) VCF-style: chr10-73571272-C-T.
Other names: c.2483C>T, p.Ala828Val (NM_001171933.1, NM_001171934.1); short protein forms A3068V, A828V.
Identifiers: ClinVar variation 3036257 (VCV003036257.3), dbSNP rs372434845, ClinGen allele CA5546933.

ClinVar aggregate classification (germline): Uncertain significance (1 of 4 stars; one submission).

Conditions:
CDH23-related disorder. Also called: CDH23-related condition; CDH23-related disorders.

Allele frequency attached by ClinVar (database versions not stated): gnomAD exomes 0.00001; ExAC 0.00002; gnomAD 0.00009; TOPMed 0.00009; ESP Exome Variant Server 0.00016.
gnomAD v4.1: 32 of 1,613,852 alleles (0.002%); highest among the groups gnomAD compares: African/African-American, 0.029%; no homozygotes.

Submission:

PreventionGenetics, part of Exact Sciences
Classification: Uncertain significance for CDH23-related condition. Last evaluated: 2026-06-08. Review status: criteria provided, single submitter. Criteria: ACMG Guidelines, 2015. Collection method: clinical testing. Allele origin: germline.
Comment: The CDH23 c.9203C>T variant is predicted to result in the amino acid substitution p.Ala3068Val. This variant was previously reported in a large cohort of individuals with retinal disease (Mihalich et al. 2024. PubMed ID: 38927702). This variant is reported in 0.033% of alleles in individuals of African descent in gnomAD. At this time, the clinical significance of this variant is uncertain due to the absence of conclusive functional and genetic evidence.